The following is an entry in ClinVar:

NM_001354604.2(MITF):c.524G>T (p.Ser175Ile)

Gene: MITF (melanocyte inducing transcription factor; plus strand). Cytogenetic location: 3p13.
Variant type: single nucleotide variant.
Coding change: c.524G>T on transcript NM_001354604.2 (MANE Select); coding-DNA position 524, G replaced by T.
Protein change: p.Ser175Ile; replaces serine 175 with isoleucine.
Molecular consequence: missense variant. On other transcripts: intron variant (1).
Genome position (GRCh38, 1-based): chr3:69,937,991, G>T. VCF-style: chr3-69937991-G-T. GRCh37 (hg19) VCF-style: chr3-69987142-G-T.
Other names: c.203G>T, p.Ser68Ile (NM_000248.4, NM_001184968.2, NM_198158.3); c.368G>T, p.Ser123Ile (NM_001184967.2, NM_001354608.2); c.521G>T, p.Ser174Ile (NM_001354605.2, NM_001354606.2, NM_006722.3); c.473G>T, p.Ser158Ile (NM_001354607.2); c.524G>T, p.Ser175Ile (NM_198159.3); c.476G>T, p.Ser159Ile (NM_198177.3); c.93+110G>T (NM_198178.3); short protein forms S158I, S159I, S68I, S123I, S174I, S175I.
Identifiers: ClinVar variation 4783196 (VCV004783196.1).
Genomic context (GRCh38, chr3:69,937,991, plus strand): 5'-TCCTGAGCTTGCCATGTCCAAACCAGCCTGGCGATCATGTCATGCCACCGGTGCCGGGGA[G>T]CAGCGCACCCAACAGCCCCATGGCTATGCTTACGCTTAACTCCAACTGTGAAAAAGAGGT-3'
Protein context (NP_001341533.1, residues 165-185): GDHVMPPVPG[Ser175Ile]SAPNSPMAML

ClinVar aggregate classification (germline): Uncertain significance (1 of 4 stars; one submission).

Conditions:
Tietz syndrome (TADS). Also called: ALBINISM-DEAFNESS OF TIETZ; HYPOPIGMENTATION/DEAFNESS OF TIETZ; TIETZ ALBINISM-DEAFNESS SYNDROME. Identifiers: Orphanet 42665, MedGen C0391816, MONDO:0007077, OMIM 103500.
Waardenburg syndrome type 2A (WS2A). Also called: WAARDENBURG SYNDROME WITHOUT DYSTOPIA CANTHORUM. Identifiers: Orphanet 3440, MedGen C1860339, MONDO:0008671, OMIM 193510.
Melanoma, cutaneous malignant, susceptibility to, 8. Also called: MELANOMA AND RENAL CELL CARCINOMA, SUSCEPTIBILITY TO; Cutaneous malignant melanoma 8. Identifiers: Orphanet 293822, MedGen C3152204, MONDO:0013759, OMIM 614456.

Submission:

Labcorp Genetics (formerly Invitae), Labcorp
Classification: Uncertain significance for Melanoma, cutaneous malignant, susceptibility to, 8; Waardenburg syndrome type 2A; Tietz syndrome. Last evaluated: 2025-07-30. Review status: criteria provided, single submitter. Criteria: Invitae Variant Classification Sherloc (09022015). Collection method: clinical testing. Allele origin: germline.
Comment: This sequence change replaces serine, which is neutral and polar, with isoleucine, which is neutral and non-polar, at codon 68 of the MITF protein (p.Ser68Ile). This variant is not present in population databases (gnomAD no frequency). This variant has not been reported in the literature in individuals affected with MITF-related conditions. Invitae Evidence Modeling of protein sequence and biophysical properties (such as structural, functional, and spatial information, amino acid conservation, physicochemical variation, residue mobility, and thermodynamic stability) indicates that this missense variant is not expected to disrupt MITF protein function with a negative predictive value of 80%. In summary, the available evidence is currently insufficient to determine the role of this variant in disease. Therefore, it has been classified as a Variant of Uncertain Significance.